The following is an entry in ClinVar:

NM_000059.4(BRCA2):c.5446A>G (p.Ser1816Gly)

Gene: BRCA2 (BRCA2 DNA repair associated; plus strand). Cytogenetic location: 13q13.1.
Variant type: single nucleotide variant.
Coding change: c.5446A>G on transcript NM_000059.4 (MANE Select); coding-DNA position 5446, A replaced by G.
Protein change: p.Ser1816Gly; replaces serine 1816 with glycine.
Molecular consequence: missense variant. On other transcripts: non-coding transcript variant (1), intron variant (2).
Genome position (GRCh38, 1-based): chr13:32,339,801, A>G. VCF-style: chr13-32339801-A-G. GRCh37 (hg19) VCF-style: chr13-32913938-A-G.
Other names: c.5446A>G, p.Ser1816Gly (NM_001406719.1, NM_001406720.1); c.1910-4757A>G (NM_001406721.1); c.425-4757A>G (NM_001406722.1); short protein forms S1816G.
Identifiers: ClinVar variation 2505546 (VCV002505546.1), dbSNP rs2137517619, ClinGen allele CA387785570.

ClinVar aggregate classification (germline): Uncertain significance (1 of 4 stars; one submission).

Conditions:
Breast-ovarian cancer, familial, susceptibility to, 2 (BROVCA2). Also called: BRCA2 Hereditary Breast and Ovarian Cancer. Identifiers: Orphanet 145, MedGen C2675520, MONDO:0012933, OMIM 612555. Disease mechanism: loss of function.

Submission:

Dr. med. U. Finckh, Human Genetics, Eurofins MVZ
Classification: Uncertain significance for Breast-ovarian cancer, familial, susceptibility to, 2. Review status: criteria provided, single submitter. Criteria: ACMG Guidelines, 2015. Collection method: clinical testing. Allele origin: unknown.
Comment: Not in FLOSSIES, not in gnomad (v2+v3). In silico predictions do not support damaging effect.